The following is an entry in ClinVar:

NM_002850.4(PTPRS):c.5555C>T (p.Ser1852Leu)

Gene: PTPRS (protein tyrosine phosphatase receptor type S; minus strand). Cytogenetic location: 19p13.3.
Variant type: single nucleotide variant.
Coding change: c.5555C>T on transcript NM_002850.4 (MANE Select); coding-DNA position 5555, C replaced by T.
Protein change: p.Ser1852Leu; replaces serine 1852 with leucine.
Molecular consequence: missense variant.
Genome position (GRCh38, 1-based): chr19:5,208,324, G>A on the plus strand (C>T on the coding strand, the complement: PTPRS is on the minus strand). VCF-style: chr19-5208324-G-A. GRCh37 (hg19) VCF-style: chr19-5208335-G-A.
Other names: c.4214C>T, p.Ser1405Leu (NM_130853.3); c.5441C>T, p.Ser1814Leu (NM_130854.3); c.4226C>T, p.Ser1409Leu (NM_130855.3); short protein forms S1409L, S1814L, S1852L, S1405L.
Identifiers: ClinVar variation 726821 (VCV000726821.5), dbSNP rs148478353, ClinGen allele CA9108687.

ClinVar aggregate classification (germline): Likely benign. Review status: criteria provided, single submitter (1 of 4 stars). 2 submissions from 2 submitters: Likely benign (1). 1 of the submissions does not count toward it. Last evaluated 2018-04-26.

Conditions:
PTPRS-related disorder. Also called: PTPRS-related condition.

Allele frequency attached by ClinVar (database versions not stated): gnomAD exomes 0.00011 and 0.00022; ExAC 0.00033; gnomAD 0.00111 and 0.00113; TOPMed 0.00113; ESP Exome Variant Server 0.00115; 1000 Genomes Project 0.00200; 1000 Genomes Project 30x 0.00219.
gnomAD v4.1: 322 of 1,613,932 alleles (0.02%); highest among the groups gnomAD compares: African/African-American, 0.4%; no homozygotes.

Submissions (2):

Labcorp Genetics (formerly Invitae), Labcorp
Classification: Likely benign. Last evaluated: 2018-04-26. Review status: criteria provided, single submitter. Criteria: Invitae Variant Classification Sherloc (09022015). Collection method: clinical testing. Allele origin: germline.

PreventionGenetics, part of Exact Sciences
Classification: Likely benign for PTPRS-related condition. Last evaluated: 2022-07-25. Review status: no assertion criteria provided. Collection method: clinical testing. Allele origin: germline. Not counted in ClinVar's aggregate classification.
Comment: This variant is classified as likely benign based on ACMG/AMP sequence variant interpretation guidelines (Richards et al. 2015 PMID: 25741868, with internal and published modifications).